The following is an entry in ClinVar:

NM_197968.4(ZMYM2):c.3954dup (p.Asn1319Ter)

Gene: ZMYM2 (zinc finger MYM-type containing 2; plus strand). Cytogenetic location: 13q12.11.
Variant type: Duplication.
Coding change: c.3954dup on transcript NM_197968.4 (MANE Select); coding-DNA position 3954, one base duplicated (T; older notation c.3954dupT).
Protein change: p.Asn1319Ter; replaces asparagine 1319 with a stop codon.
Molecular consequence: nonsense. On other transcripts: non-coding transcript variant (1).
Genome position (GRCh38, 1-based): chr13:20,085,834, T duplicated; the last of 2 consecutive T bases (chr13:20,085,833-20,085,834); duplicating either gives the same sequence. VCF-style (leftmost placement, unchanged base first): chr13-20085832-C-CT. GRCh37 (hg19) VCF-style: chr13-20659972-C-CT.
Other names: c.3954dup, p.Asn1319Ter (NM_001190964.4, NM_001190965.4, NM_001353157.2 and 4 more transcripts); c.3759dup, p.Asn1254Ter (NM_001353161.3); c.3693dup, p.Asn1232Ter (NM_001353163.2); short protein forms N1232*, N1254*, N1319*.
Identifiers: ClinVar variation 4989786 (VCV004989786.1).

ClinVar aggregate classification (germline): Uncertain significance (1 of 4 stars; one submission).

Conditions:
ZMYM2-related disorder. Also called: ZMYM2-related condition.

Submission:

PreventionGenetics, part of Exact Sciences
Classification: Uncertain significance for ZMYM2-related condition. Last evaluated: 2026-04-23. Review status: criteria provided, single submitter. Criteria: ACMG Guidelines, 2015. Collection method: clinical testing. Allele origin: germline.
Comment: The ZMYM2 c.3954dupT variant is predicted to result in premature protein termination (p.Asn1319*). To our knowledge, this variant has not been reported in the literature or in a large population database (gnomAD), indicating this variant is rare. At this time, the clinical significance of this variant is uncertain due to the absence of conclusive functional and genetic evidence.